The following is an entry in ClinVar:

NM_000540.3(RYR1):c.3787G>T (p.Val1263Leu)

Gene: RYR1 (ryanodine receptor 1; plus strand). Cytogenetic location: 19q13.2.
Variant type: single nucleotide variant.
Coding change: c.3787G>T on transcript NM_000540.3 (MANE Select); coding-DNA position 3787, G replaced by T.
Protein change: p.Val1263Leu; replaces valine 1263 with leucine.
Molecular consequence: missense variant.
Genome position (GRCh38, 1-based): chr19:38,473,398, G>T. VCF-style: chr19-38473398-G-T. GRCh37 (hg19) VCF-style: chr19-38964038-G-T.
Other names: c.3787G>T, p.Val1263Leu (NM_001042723.2); c.3787G>T (NM_000540.2); short protein forms V1263L.
Identifiers: ClinVar variation 1026653 (VCV001026653.12), dbSNP rs770725171, ClinGen allele CA065191.

ClinVar aggregate classification (germline): Uncertain significance. Review status: criteria provided, multiple submitters, no conflicts (2 of 4 stars). 4 submissions from 4 submitters: Uncertain significance (4). Last evaluated 2024-07-23.

Conditions:
RYR1-related disorder. Also called: RYR1-related disorders; RYR1-related condition. Identifiers: MedGen CN239331.
Inborn genetic diseases. Identifiers: MedGen C0950123, MeSH D030342.
Congenital multicore myopathy with external ophthalmoplegia (CMYO1B). Also called: MULTIMINICORE DISEASE WITH EXTERNAL OPHTHALMOPLEGIA; Minicore myopathy with external ophthalmoplegia; Congenital myopathy 1B, autosomal recessive; Minicore myopathy; MULTICORE MYOPATHY. Identifiers: Orphanet 598, Orphanet 98905, MedGen C1850674, MONDO:0009712, OMIM 255320, HP:0003789.
Congenital myopathy with fiber type disproportion. Also called: Congenital fiber-type disproportion myopathy; Congenital fiber-type disproportion. Identifiers: Orphanet 2020, MedGen C0546264, MONDO:0009711. Inheritance: all.
Malignant hyperthermia, susceptibility to, 1 (MHS1). Also called: Anesthesia related hyperthermia; Malignant hyperpyrexia; Fulminating hyperpyrexia; Pharmacogenic myopathy; RYR1-Related Malignant Hyperthermia Susceptibility; Malignant hyperthermia suceptibility 1. Identifiers: Orphanet 423, MedGen C2930980, MONDO:0007783, OMIM 145600.
Myopathy, RYR1-associated.
Central core myopathy (CMYO1A). Also called: CONGENITAL MYOPATHY 1A, AUTOSOMAL DOMINANT, WITH SUSCEPTIBILITY TO MALIGNANT HYPERTHERMIA; Central core disease; Myopathy, central fibrillar. Identifiers: Orphanet 597, MedGen C5830701, MONDO:0007294, OMIM 117000.

Allele frequency attached by ClinVar (database versions not stated): gnomAD exomes below 0.00001 and 0.00001; TOPMed below 0.00001; ExAC 0.00001.
gnomAD v4.1: 7 of 1,613,828 alleles (0.00043%); highest among the groups gnomAD compares: Non-Finnish European, 0.00059%; no homozygotes.

Submissions (4):

Labcorp Genetics (formerly Invitae), Labcorp
Classification: Uncertain significance for RYR1-related disorder. Last evaluated: 2024-07-23. Review status: criteria provided, single submitter. Criteria: Invitae Variant Classification Sherloc (09022015). Collection method: clinical testing. Allele origin: germline.
Comment: This sequence change replaces valine, which is neutral and non-polar, with leucine, which is neutral and non-polar, at codon 1263 of the RYR1 protein (p.Val1263Leu). The frequency data for this variant in the population databases is considered unreliable, as metrics indicate poor data quality at this position in the gnomAD database. This variant has not been reported in the literature in individuals affected with RYR1-related conditions. ClinVar contains an entry for this variant (Variation ID: 1026653). Advanced modeling of protein sequence and biophysical properties (such as structural, functional, and spatial information, amino acid conservation, physicochemical variation, residue mobility, and thermodynamic stability) has been performed at Invitae for this missense variant, however the output from this modeling did not meet the statistical confidence thresholds required to predict the impact of this variant on RYR1 protein function. In summary, the available evidence is currently insufficient to determine the role of this variant in disease. Therefore, it has been classified as a Variant of Uncertain Significance.

Ambry Genetics
Classification: Uncertain significance for Inborn genetic diseases. Last evaluated: 2024-07-05. Review status: criteria provided, single submitter. Criteria: Ambry Variant Classification Scheme 2023. Collection method: clinical testing. Allele origin: germline.

All of Us Research Program, National Institutes of Health
Classification: Uncertain significance for Malignant hyperthermia, susceptibility to, 1. Last evaluated: 2024-03-05. Review status: criteria provided, single submitter. Criteria: ACMG Guidelines, 2015. Collection method: clinical testing. Allele origin: germline. Inheritance: Autosomal dominant inheritance. Observed: 1 variant allele, 1 heterozygote.
Comment: This study involves interpretation of variants in research participants for the purpose of population health screening. Participant phenotype was not available at the time of variant classification. Additional details can be found in publication PMID: 35346344, PMCID: PMC8962531

Blueprint Genetics
Classification: Uncertain significance. Last evaluated: 2019-09-12. Review status: criteria provided, single submitter. Criteria: ACMG Guidelines, 2015. Collection method: clinical testing. Allele origin: germline.